The following is an entry in ClinVar:

NM_134261.3(RORA):c.1115T>C (p.Phe372Ser)

Genes: RORA (RAR related orphan receptor A; minus strand), RORA-AS1 (RORA antisense RNA 1; plus strand). Cytogenetic location: 15q22.2.
Variant type: single nucleotide variant.
Coding change: c.1115T>C on transcript NM_134261.3 (MANE Select); coding-DNA position 1115, T replaced by C.
Protein change: p.Phe372Ser; replaces phenylalanine 372 with serine.
Molecular consequence: missense variant.
Genome position (GRCh38, 1-based): chr15:60,502,828, A>G on the plus strand (T>C on the coding strand, the complement: RORA is on the minus strand). VCF-style: chr15-60502828-A-G. GRCh37 (hg19) VCF-style: chr15-60795027-A-G.
Other names: c.1190T>C, p.Phe397Ser (NM_002943.4); c.1214T>C, p.Phe405Ser (NM_134260.3); c.950T>C, p.Phe317Ser (NM_134262.3); short protein forms F317S, F372S, F397S, F405S.
Identifiers: ClinVar variation 4532222 (VCV004532222.1).

ClinVar aggregate classification (germline): Likely pathogenic (1 of 4 stars; one submission).

Conditions:
Intellectual developmental disorder with or without epilepsy or cerebellar ataxia. Identifiers: MedGen C4748041, MONDO:0060745, OMIM 618060.

gnomAD v4.1: 1 of 1,614,012 alleles (0.000062%); highest among the groups gnomAD compares: Non-Finnish European, 0.000085%; no homozygotes.

Submission:

MVZ Medizinische Genetik Mainz
Classification: Likely pathogenic for Intellectual developmental disorder with or without epilepsy or cerebellar ataxia. Last evaluated: 2025-11-13. Review status: criteria provided, single submitter. Criteria: UK Practice Guidelines For Variant Classification V4 01 2020. Collection method: clinical testing. Allele origin: germline. Inheritance: Autosomal dominant inheritance. Affected: yes. Observed: 1 variant allele.
Comment: ACMG Criteria: PM1,PP3_MOD,PM2_SUP,PP2